The following is an entry in ClinVar:

ClinVar aggregate classification (germline): Uncertain significance (1 of 4 stars; one submission).

Conditions:
TWIST1-related craniosynostosis (CRS1). Also called: CRANIOSYNOSTOSIS 1. Identifiers: Orphanet 63440, MedGen C4551902, MONDO:0007399, OMIM 123100. Inheritance: Heterogenous inheritance pattern.
Saethre-Chotzen syndrome (SCS). Also called: ACROCEPHALY, SKULL ASYMMETRY, AND MILD SYNDACTYLY; ACS III; CHOTZEN SYNDROME. Identifiers: Orphanet 794, MedGen C0175699, MONDO:0007042, OMIM 101400.

Submission:

Labcorp Genetics (formerly Invitae), Labcorp
Classification: Uncertain significance for TWIST1-related craniosynostosis; Saethre-Chotzen syndrome. Last evaluated: 2024-02-20. Review status: criteria provided, single submitter. Criteria: Invitae Variant Classification Sherloc (09022015). Collection method: clinical testing. Allele origin: germline.
Comment: This sequence change replaces asparagine, which is neutral and polar, with lysine, which is basic and polar, at codon 125 of the TWIST1 protein (p.Asn125Lys). This variant is not present in population databases (gnomAD no frequency). This variant has not been reported in the literature in individuals affected with TWIST1-related conditions. An algorithm developed to predict the effect of missense changes on protein structure and function (PolyPhen-2) suggests that this variant is likely to be disruptive. In summary, the available evidence is currently insufficient to determine the role of this variant in disease. Therefore, it has been classified as a Variant of Uncertain Significance.

NM_000474.4(TWIST1):c.375C>G (p.Asn125Lys)

Gene: TWIST1 (twist family bHLH transcription factor 1; minus strand). Cytogenetic location: 7p21.1.
Variant type: single nucleotide variant.
Coding change: c.375C>G on transcript NM_000474.4 (MANE Select); coding-DNA position 375, C replaced by G.
Protein change: p.Asn125Lys; replaces asparagine 125 with lysine.
Molecular consequence: missense variant. On other transcripts: non-coding transcript variant (1).
Genome position (GRCh38, 1-based): chr7:19,116,947, G>C on the plus strand (C>G on the coding strand, the complement: TWIST1 is on the minus strand). VCF-style: chr7-19116947-G-C. GRCh37 (hg19) VCF-style: chr7-19156570-G-C.
Other names: short protein forms N125K.
Identifiers: ClinVar variation 2922136 (VCV002922136.3), dbSNP rs773150642, ClinGen allele CA367015572.